The following is an entry in ClinVar:

ClinVar aggregate classification (germline): Uncertain significance (1 of 4 stars; one submission).

Allele frequency attached by ClinVar (database versions not stated): gnomAD 0.00001 and 0.00003; gnomAD exomes 0.00002 and 0.00009; TOPMed 0.00003; ExAC 0.00006; 1000 Genomes Project 30x 0.00016; 1000 Genomes Project 0.00020.
gnomAD v4.1: 35 of 1,614,082 alleles (0.0022%); highest among the groups gnomAD compares: East Asian, 0.036%; no homozygotes.

Submission:

Labcorp Genetics (formerly Invitae), Labcorp
Classification: Uncertain significance. Last evaluated: 2025-03-22. Review status: criteria provided, single submitter. Criteria: Invitae Variant Classification Sherloc (09022015). Collection method: clinical testing. Allele origin: germline.
Comment: This sequence change replaces asparagine, which is neutral and polar, with serine, which is neutral and polar, at codon 426 of the CCT2 protein (p.Asn426Ser). This variant is present in population databases (rs558771848, gnomAD 0.07%), and has an allele count higher than expected for a pathogenic variant. This variant has not been reported in the literature in individuals affected with CCT2-related conditions. ClinVar contains an entry for this variant (Variation ID: 1419267). An algorithm developed to predict the effect of missense changes on protein structure and function outputs the following: PolyPhen-2: "Benign". The serine amino acid residue is found in multiple mammalian species, which suggests that this missense change does not adversely affect protein function. In summary, the available evidence is currently insufficient to determine the role of this variant in disease. Therefore, it has been classified as a Variant of Uncertain Significance.

NM_006431.3(CCT2):c.1277A>G (p.Asn426Ser)

Gene: CCT2 (chaperonin containing TCP1 subunit 2; plus strand). Cytogenetic location: 12q15.
Variant type: single nucleotide variant.
Coding change: c.1277A>G on transcript NM_006431.3 (MANE Select); coding-DNA position 1277, A replaced by G.
Protein change: p.Asn426Ser; replaces asparagine 426 with serine.
Molecular consequence: missense variant.
Genome position (GRCh38, 1-based): chr12:69,598,013, A>G. VCF-style: chr12-69598013-A-G. GRCh37 (hg19) VCF-style: chr12-69991793-A-G.
Other names: c.1136A>G, p.Asn379Ser (NM_001198842.2); short protein forms N426S, N379S.
Identifiers: ClinVar variation 1419267 (VCV001419267.6), dbSNP rs558771848, ClinGen allele CA6680821.